The following is an entry in ClinVar:

NM_001004334.4(GPR179):c.431T>C (p.Val144Ala)

Gene: GPR179 (G protein-coupled receptor 179; minus strand). Cytogenetic location: 17q12.
Variant type: single nucleotide variant.
Coding change: c.431T>C on transcript NM_001004334.4 (MANE Select); coding-DNA position 431, T replaced by C.
Protein change: p.Val144Ala; replaces valine 144 with alanine.
Molecular consequence: missense variant.
Genome position (GRCh38, 1-based): chr17:38,343,359, A>G on the plus strand (T>C on the coding strand, the complement: GPR179 is on the minus strand). VCF-style: chr17-38343359-A-G. GRCh37 (hg19) VCF-style: chr17-36499242-A-G.
Other names: short protein forms V144A.
Identifiers: ClinVar variation 1932210 (VCV001932210.3), dbSNP rs745542691, ClinGen allele CA290111638.

ClinVar aggregate classification (germline): Conflicting classifications of pathogenicity. Review status: criteria provided, conflicting classifications (1 of 4 stars). 2 submissions from 2 submitters: Uncertain significance (1); Likely benign (1). Last evaluated 2022-07-22.

Conditions:
Inborn genetic diseases. Identifiers: MedGen C0950123, MeSH D030342.

Allele frequency attached by ClinVar (database versions not stated): TOPMed below 0.00001; ExAC 0.00001; gnomAD 0.00001; gnomAD exomes 0.00002.
gnomAD v4.1: 34 of 1,613,786 alleles (0.0021%); highest among the groups gnomAD compares: Non-Finnish European, 0.0029%; no homozygotes.

Submissions (2):

Labcorp Genetics (formerly Invitae), Labcorp
Classification: Uncertain significance. Last evaluated: 2022-07-22. Review status: criteria provided, single submitter. Criteria: Invitae Variant Classification Sherloc (09022015). Collection method: clinical testing. Allele origin: germline.
Comment: This sequence change replaces valine, which is neutral and non-polar, with alanine, which is neutral and non-polar, at codon 144 of the GPR179 protein (p.Val144Ala). This variant is present in population databases (rs745542691, gnomAD 0.004%). This variant has not been reported in the literature in individuals affected with GPR179-related conditions. Algorithms developed to predict the effect of missense changes on protein structure and function output the following: SIFT: "Tolerated"; PolyPhen-2: "Benign"; Align-GVGD: "Class C0". The alanine amino acid residue is found in multiple mammalian species, which suggests that this missense change does not adversely affect protein function. In summary, the available evidence is currently insufficient to determine the role of this variant in disease. Therefore, it has been classified as a Variant of Uncertain Significance.

Ambry Genetics
Classification: Likely benign for Inborn genetic diseases. Last evaluated: 2022-05-27. Review status: criteria provided, single submitter. Criteria: Ambry Variant Classification Scheme 2023. Collection method: clinical testing. Allele origin: germline.